The following is an entry in ClinVar:

ClinVar aggregate classification (germline): Uncertain significance. Review status: criteria provided, multiple submitters, no conflicts (2 of 4 stars). 2 submissions from 2 submitters: Uncertain significance (2). Last evaluated 2025-03-12.

Conditions:
Autosomal dominant epilepsy with auditory features. Identifiers: Orphanet 101046, MedGen C1838062, MONDO:0010898.

Submissions (2):

GeneDx
Classification: Uncertain significance. Last evaluated: 2025-03-12. Review status: criteria provided, single submitter. Criteria: GeneDx Variant Classification Process June 2021. Collection method: clinical testing. Allele origin: germline. Affected: yes.
Comment: Not observed at significant frequency in large population cohorts (gnomAD); In silico analysis supports that this missense variant has a deleterious effect on protein structure/function; Has not been previously published as pathogenic or benign to our knowledge

Labcorp Genetics (formerly Invitae), Labcorp
Classification: Uncertain significance for Autosomal dominant epilepsy with auditory features. Last evaluated: 2024-02-22. Review status: criteria provided, single submitter. Criteria: Invitae Variant Classification Sherloc (09022015). Collection method: clinical testing. Allele origin: germline.
Comment: This sequence change replaces threonine, which is neutral and polar, with serine, which is neutral and polar, at codon 380 of the LGI1 protein (p.Thr380Ser). This variant is not present in population databases (gnomAD no frequency). This variant has not been reported in the literature in individuals affected with LGI1-related conditions. Advanced modeling of protein sequence and biophysical properties (such as structural, functional, and spatial information, amino acid conservation, physicochemical variation, residue mobility, and thermodynamic stability) performed at Invitae indicates that this missense variant is not expected to disrupt LGI1 protein function with a negative predictive value of 80%. In summary, the available evidence is currently insufficient to determine the role of this variant in disease. Therefore, it has been classified as a Variant of Uncertain Significance.

NM_005097.4(LGI1):c.1138A>T (p.Thr380Ser)

Gene: LGI1 (leucine rich glioma inactivated 1; plus strand). Cytogenetic location: 10q23.33.
Variant type: single nucleotide variant.
Coding change: c.1138A>T on transcript NM_005097.4 (MANE Select); coding-DNA position 1138, A replaced by T.
Protein change: p.Thr380Ser; replaces threonine 380 with serine.
Molecular consequence: missense variant. On other transcripts: non-coding transcript variant (1), intron variant (1).
Genome position (GRCh38, 1-based): chr10:93,797,267, A>T. VCF-style: chr10-93797267-A-T. GRCh37 (hg19) VCF-style: chr10-95557024-A-T.
Other names: c.994A>T, p.Thr332Ser (NM_001308276.2); c.839-482A>T (NM_001308275.2); c.1138A>T (NM_005097.2); short protein forms T332S, T380S.
Identifiers: ClinVar variation 3642455 (VCV003642455.3).